The following is an entry in ClinVar:

ClinVar aggregate classification (germline): Pathogenic (1 of 4 stars; one submission).

Conditions:
Primary ciliary dyskinesia 3. Identifiers: Orphanet 244, MedGen C1837618, MONDO:0012085, OMIM 608644.

Submission:

Myriad Genetics, Inc.
Classification: Pathogenic for Primary ciliary dyskinesia 3. Last evaluated: 2024-05-14. Review status: criteria provided, single submitter. Criteria: Myriad Autosomal Dominant, Autosomal Recessive and X-Linked Classification Criteria (2023). Collection method: clinical testing. Allele origin: unknown.
Comment: NM_001369.2(DNAH5):c.5402_5403ins14(H1801Qfs*8) is expected to be pathogenic in the context of primary ciliary dyskinesia, DNAH5-related. This variant is predicted to lead to an abnormal or absent protein product due to the creation of a premature termination codon in DNAH5, a gene where loss-of-function variants are known to be pathogenic. Please note: this variant was assessed in the context of healthy population screening.

NM_001369.3(DNAH5):c.5402_5403insGTTGGAAACCTGTT (p.His1801fs)

Gene: DNAH5 (dynein axonemal heavy chain 5; minus strand). Cytogenetic location: 5p15.2.
Variant type: Insertion.
Coding change: c.5402_5403insGTTGGAAACCTGTT on transcript NM_001369.3 (MANE Select); coding-DNA positions 5402 to 5403, GTTGGAAACCTGTT inserted.
Protein change: p.His1801fs; shifts the reading frame from histidine 1801.
Molecular consequence: frameshift variant.
Genome position: GRCh38 VCF-style: chr5-13841773-A-AAACAGGTTTCCAAC. GRCh37 (hg19) VCF-style: chr5-13841882-A-AAACAGGTTTCCAAC.
Other names: short protein forms H1801fs.
Identifiers: ClinVar variation 5010744 (VCV005010744.1).